The following is an entry in ClinVar:

NM_001378457.1(DMXL2):c.1654T>C (p.Ser552Pro)

Gene: DMXL2 (Dmx like 2; minus strand). Cytogenetic location: 15q21.2.
Variant type: single nucleotide variant.
Coding change: c.1654T>C on transcript NM_001378457.1 (MANE Select); coding-DNA position 1654, T replaced by C.
Protein change: p.Ser552Pro; replaces serine 552 with proline.
Molecular consequence: missense variant. On other transcripts: non-coding transcript variant (2).
Genome position (GRCh38, 1-based): chr15:51,536,826, A>G on the plus strand (T>C on the coding strand, the complement: DMXL2 is on the minus strand). VCF-style: chr15-51536826-A-G. GRCh37 (hg19) VCF-style: chr15-51829023-A-G.
Other names: c.1654T>C, p.Ser552Pro (NM_001174116.3, NM_001174117.3, NM_001378458.1 and 6 more transcripts); c.1414T>C, p.Ser472Pro (NM_001378464.1); c.1654T>C (NM_001174116.1); short protein forms S472P, S552P.
Identifiers: ClinVar variation 1940563 (VCV001940563.3), dbSNP rs748606071, ClinGen allele CA7562532.
Genomic context (GRCh38, chr15:51,536,826, plus strand): 5'-TTGTCGCATTTATACAGGCATACATCATGATATTTTTACTAAGAGAGCTTGCATCACCAG[A>G]GGGAAATGCAACAGGAATCCGAGAAGAAAAAGAAACCTGAAAAACATAATTATATGATTC-3'
Protein context (NP_001365386.1, residues 542-562): FSSRIPVAFP[Ser552Pro]GDASSLSKNI

ClinVar aggregate classification (germline): Uncertain significance. Review status: criteria provided, multiple submitters, no conflicts (2 of 4 stars). 2 submissions from 2 submitters: Uncertain significance (2). Last evaluated 2025-01-07.

Conditions:
Inborn genetic diseases. Identifiers: MedGen C0950123, MeSH D030342.

Allele frequency attached by ClinVar (database versions not stated): gnomAD exomes below 0.00001; TOPMed below 0.00001; ExAC 0.00003.
gnomAD v4.1: 7 of 1,610,754 alleles (0.00043%); highest among the groups gnomAD compares: Admixed American, 0.0084%; no homozygotes.

Submissions (2):

Ambry Genetics
Classification: Uncertain significance for Inborn genetic diseases. Last evaluated: 2025-01-07. Review status: criteria provided, single submitter. Criteria: Ambry Variant Classification Scheme 2023. Collection method: clinical testing. Allele origin: germline.

Labcorp Genetics (formerly Invitae), Labcorp
Classification: Uncertain significance. Last evaluated: 2022-07-29. Review status: criteria provided, single submitter. Criteria: Invitae Variant Classification Sherloc (09022015). Collection method: clinical testing. Allele origin: germline.
Comment: This sequence change replaces serine, which is neutral and polar, with proline, which is neutral and non-polar, at codon 552 of the DMXL2 protein (p.Ser552Pro). This variant is present in population databases (rs748606071, gnomAD 0.02%). This variant has not been reported in the literature in individuals affected with DMXL2-related conditions. Algorithms developed to predict the effect of missense changes on protein structure and function are either unavailable or do not agree on the potential impact of this missense change (SIFT: "Tolerated"; PolyPhen-2: "Possibly Damaging"; Align-GVGD: "Class C0"). In summary, the available evidence is currently insufficient to determine the role of this variant in disease. Therefore, it has been classified as a Variant of Uncertain Significance.